The following is an entry in ClinVar:

NM_018122.5(DARS2):c.1386_1388del (p.Leu463del)

Gene: DARS2 (aspartyl-tRNA synthetase 2, mitochondrial; plus strand). Cytogenetic location: 1q25.1.
Variant type: Deletion.
Coding change: c.1386_1388del on transcript NM_018122.5 (MANE Select); coding-DNA positions 1386 to 1388, 3 bases deleted (TCT; older notation c.1386_1388delTCT).
Protein change: p.Leu463del; deletes leucine 463.
Molecular consequence: inframe deletion.
Genome position (GRCh38, 1-based): chr1:173,853,390-173,853,392, TCT deleted; deleting any 3 consecutive bases within chr1:173,853,388-173,853,392 gives the same sequence; the c. name uses the placement nearest the transcript's 3' end. VCF-style (leftmost placement, unchanged base first): chr1-173853387-CCTT-C. GRCh37 (hg19) VCF-style: chr1-173822525-CCTT-C.
Other names: c.1233_1235del, p.Leu412del (NM_001365212.1); short protein forms L463del, L412del.
Identifiers: ClinVar variation 1478562 (VCV001478562.6), dbSNP rs1158682989, ClinGen allele CA527601033.

ClinVar aggregate classification (germline): Uncertain significance (1 of 4 stars; one submission).

Submission:

Labcorp Genetics (formerly Invitae), Labcorp
Classification: Uncertain significance. Last evaluated: 2024-04-22. Review status: criteria provided, single submitter. Criteria: Invitae Variant Classification Sherloc (09022015). Collection method: clinical testing. Allele origin: germline.
Comment: This variant, c.1386_1388del, results in the deletion of 1 amino acid(s) of the DARS2 protein (p.Leu463del), but otherwise preserves the integrity of the reading frame. This variant is present in population databases (no rsID available, gnomAD 0.003%). This variant has not been reported in the literature in individuals affected with DARS2-related conditions. ClinVar contains an entry for this variant (Variation ID: 1478562). Experimental studies and prediction algorithms are not available or were not evaluated, and the functional significance of this variant is currently unknown. In summary, the available evidence is currently insufficient to determine the role of this variant in disease. Therefore, it has been classified as a Variant of Uncertain Significance.